The following is an entry in ClinVar:

ClinVar aggregate classification (germline): Uncertain significance (1 of 4 stars; one submission).

Conditions:
Hereditary cancer-predisposing syndrome. Also called: Neoplastic Syndromes, Hereditary; Tumor predisposition; Hereditary neoplastic syndrome; Hereditary Cancer Syndrome. Identifiers: Orphanet 140162, MedGen C0027672, MeSH D009386, MONDO:0015356.

Allele frequency attached by ClinVar (database versions not stated): gnomAD exomes below 0.00001; ExAC 0.00001.

Submission:

Ambry Genetics
Classification: Uncertain significance for Hereditary cancer-predisposing syndrome. Last evaluated: 2024-02-28. Review status: criteria provided, single submitter. Criteria: Ambry Variant Classification Scheme 2023. Collection method: clinical testing. Allele origin: germline.
Comment: The p.S1072R variant (also known as c.3216T>A), located in coding exon 15 of the APC gene, results from a T to A substitution at nucleotide position 3216. The serine at codon 1072 is replaced by arginine, an amino acid with dissimilar properties. This amino acid position is conserved. In addition, in silico predictors for this gene do not accurately predict pathogenicity. Based on the available evidence, the clinical significance of this alteration remains unclear.

NM_000038.6(APC):c.3216T>A (p.Ser1072Arg)

Gene: APC (APC regulator of Wnt signaling pathway; plus strand). Cytogenetic location: 5q22.2.
Variant type: single nucleotide variant.
Coding change: c.3216T>A on transcript NM_000038.6 (MANE Select); coding-DNA position 3216, T replaced by A.
Protein change: p.Ser1072Arg; replaces serine 1072 with arginine.
Molecular consequence: missense variant. On other transcripts: non-coding transcript variant (2).
Genome position (GRCh38, 1-based): chr5:112,838,810, T>A. VCF-style: chr5-112838810-T-A. GRCh37 (hg19) VCF-style: chr5-112174507-T-A.
Other names: c.3216T>A, p.Ser1072Arg (NM_001127510.3, NM_001354895.2, NM_001407450.1); c.3162T>A, p.Ser1054Arg (NM_001127511.3); c.3270T>A, p.Ser1090Arg (NM_001354896.2, NM_001407447.1, NM_001407448.1 and 1 more transcripts); c.3246T>A, p.Ser1082Arg (NM_001354897.2); c.3141T>A, p.Ser1047Arg (NM_001354898.2); c.3132T>A, p.Ser1044Arg (NM_001354899.2); c.3093T>A, p.Ser1031Arg (NM_001354900.2); c.3039T>A, p.Ser1013Arg (NM_001354901.2, NM_001407453.1); and 11 more; short protein forms S1013R, S1031R, S1044R, S1047R, S1054R, S1062R, S1065R, S1072R.
Identifiers: ClinVar variation 3228141 (VCV003228141.1), dbSNP rs768352701, ClinGen allele CA034668.